The following is an entry in ClinVar:

ClinVar aggregate classification (germline): Uncertain significance (1 of 4 stars; one submission).

Conditions:
Nemaline myopathy 2 (NEM2). Also called: Nemaline myopathy 2, autosomal recessive. Identifiers: MedGen C1850569, MONDO:0009725, OMIM 256030.

Submission:

Labcorp Genetics (formerly Invitae), Labcorp
Classification: Uncertain significance for Nemaline myopathy 2. Last evaluated: 2022-03-21. Review status: criteria provided, single submitter. Criteria: Invitae Variant Classification Sherloc (09022015). Collection method: clinical testing. Allele origin: germline.
Comment: In summary, the available evidence is currently insufficient to determine the role of this variant in disease. Therefore, it has been classified as a Variant of Uncertain Significance. Variants that disrupt the consensus splice site are a relatively common cause of aberrant splicing (PMID: 17576681, 9536098). This variant has not been reported in the literature in individuals affected with NEB-related conditions. This variant is not present in population databases (gnomAD no frequency). This sequence change falls in intron 154 of the NEB gene. It does not directly change the encoded amino acid sequence of the NEB protein. It affects a nucleotide within the consensus splice site.

Literature cited by the submitters: PubMed 17576681; PubMed 9536098.

NM_001164508.2(NEB):c.22479+4A>C

Genes: NEB (nebulin; minus strand), RIF1 (replication timing regulatory factor 1; plus strand). Cytogenetic location: 2q23.3.
Variant type: single nucleotide variant.
Coding change: c.22479+4A>C on transcript NM_001164508.2 (MANE Select); 4 bases into the intron after coding-DNA position 22479, A replaced by C.
Molecular consequence: intron variant.
Genome position (GRCh38, 1-based): chr2:151,524,307, T>G on the plus strand (A>C on the coding strand, the complement: NEB is on the minus strand). VCF-style: chr2-151524307-T-G. GRCh37 (hg19) VCF-style: chr2-152380821-T-G.
Other names: c.17376+4A>C (NM_004543.5); c.22479+4A>C (NM_001164507.2); c.22584+4A>C (NM_001271208.2).
Identifiers: ClinVar variation 2115546 (VCV002115546.4), dbSNP rs768879374, ClinGen allele CA2580063935.
Genomic context (GRCh38, chr2:151,524,307, plus strand): 5'-TCTTCCTGCAAGGTCTTTTATAATCTCCTCACATGAGAGCCACCAGTGCACCCATCTGCA[T>G]TACCTGGCTGCTCAGCTTGGCTGCCTTCTTGGCCATTTCTATGTCTGGGCGACCGAGCAT-3'